The following is an entry in ClinVar:

NM_020379.4(MAN1C1):c.1701C>T (p.Asp567=)

Gene: MAN1C1 (mannosidase alpha class 1C member 1; plus strand). Cytogenetic location: 1p36.11.
Variant type: single nucleotide variant.
Coding change: c.1701C>T on transcript NM_020379.4 (MANE Select); coding-DNA position 1701, C replaced by T.
Protein change: p.Asp567=; no amino-acid change (aspartic acid 567 retained).
Molecular consequence: synonymous variant.
Genome position (GRCh38, 1-based): chr1:25,782,635, C>T. VCF-style: chr1-25782635-C-T. GRCh37 (hg19) VCF-style: chr1-26109126-C-T.
Other names: c.1701C>T, p.Asp567= (NM_001289010.2); c.1803C>T, p.Asp601= (NM_001385182.1); c.1773C>T, p.Asp591= (NM_001385183.1); c.1197C>T, p.Asp399= (NM_001385184.1); c.1014C>T, p.Asp338= (NM_001385185.1).
Identifiers: ClinVar variation 3039110 (VCV003039110.2), dbSNP rs150201998, ClinGen allele CA696358.

ClinVar aggregate classification (germline): Likely benign (0 of 4 stars; one submission).

Conditions:
MAN1C1-related disorder. Also called: MAN1C1-related condition.

Allele frequency attached by ClinVar (database versions not stated): TOPMed 0.00028; ESP Exome Variant Server 0.00031; gnomAD 0.00032; ExAC 0.00077; 1000 Genomes Project 30x 0.00141; 1000 Genomes Project 0.00180.
gnomAD v4.1: 718 of 1,614,056 alleles (0.044%); highest among the groups gnomAD compares: South Asian, 0.39%; 2 homozygotes.

Submission:

PreventionGenetics, part of Exact Sciences
Classification: Likely benign for MAN1C1-related condition. Last evaluated: 2019-05-28. Review status: no assertion criteria provided. Collection method: clinical testing. Allele origin: germline.
Comment: This variant is classified as likely benign based on ACMG/AMP sequence variant interpretation guidelines (Richards et al. 2015 PMID: 25741868, with internal and published modifications).